The following is an entry in ClinVar:

ClinVar aggregate classification (germline): Pathogenic/Likely pathogenic. Review status: criteria provided, multiple submitters, no conflicts (2 of 4 stars). 7 submissions from 7 submitters: Pathogenic (4); Likely pathogenic (2). 1 of the submissions does not count toward it. Last evaluated 2025-07-01.

Conditions:
NPC1-related disorder. Also called: NPC1-related condition.
Niemann-Pick disease, type C (NPC). Identifiers: Orphanet 646, MedGen C0220756, MONDO:0018982.
Niemann-Pick disease, type C1. Also called: NIEMANN-PICK DISEASE, VARIANT TYPE C1; NEUROVISCERAL STORAGE DISEASE WITH VERTICAL SUPRANUCLEAR OPHTHALMOPLEGIA; NIEMANN-PICK DISEASE WITH CHOLESTEROL ESTERIFICATION BLOCK; NIEMANN-PICK DISEASE WITHOUT SPHINGOMYELINASE DEFICIENCY; NIEMANN-PICK DISEASE, CHRONIC NEURONOPATHIC FORM. Identifiers: Orphanet 646, MedGen C3179455, MONDO:0009757, OMIM 257220.

Allele frequency attached by ClinVar (database versions not stated): gnomAD exomes 0.00001.
gnomAD v4.1: 56 of 1,614,164 alleles (0.0035%); highest among the groups gnomAD compares: Non-Finnish European, 0.0047%; no homozygotes.

Submissions (7):

PreventionGenetics, part of Exact Sciences
Classification: Pathogenic for NPC1-related condition. Last evaluated: 2025-07-01. Review status: criteria provided, single submitter. Criteria: ACMG Guidelines, 2015. Collection method: clinical testing. Allele origin: germline.
Comment: The NPC1 c.1133T>C variant is predicted to result in the amino acid substitution p.Val378Ala. This variant has been reported in the compound heterozygous state in individuals with Niemann-Pick disease, type C (Millat et al. 2001. PubMed ID: 11333381; Imrie et al. 2015. PubMed ID: 26666848; Greenberg et al. 2015. PubMed ID: 26937389; Dardis et al. 2020. PubMed ID: 32138288). In vitro functional studies have shown while this variant does not affect the NPC2 binding (Deffieu et al. 2011. PubMed ID: 22065762), it does impact NPC1 function by retaining the protein entirely in endoplasmic reticulum (Shammas et al. 2019. PubMed ID: 30923329). This variant is reported in 0.0046% of alleles in individuals of European (Finnish) descent in gnomAD. This variant is interpreted as pathogenic.

Natera, Inc.
Classification: Likely pathogenic for Niemann-Pick disease type C1. Last evaluated: 2025-06-17. Review status: criteria provided, single submitter. Criteria: Natera Variant Classification Schema (03/2026). Collection method: clinical testing. Allele origin: germline.
Comment: The c.1133T>C variant in NPC1 is a missense variant predicted to cause substitution of valine to alanine at amino acid 378. This variant is rare in the general population with a frequency below the threshold expected for the associated phenotype(s). This variant has been observed in one or more individuals affected with the associated recessive disease, as either homozygous or compound heterozygous with a second variant (PMID: 26666848, 26981555, 26981555, 11333381, 26937389). This variant has been observed to segregate in affected family members (PMID: 26666848). Computational prediction algorithms indicate this variant is likely to affect gene or protein function. Given the available evidence, this variant is classified as Likely Pathogenic.

Women's Health and Genetics/Laboratory Corporation of America, LabCorp
Classification: Pathogenic for Niemann-Pick disease, type C. Last evaluated: 2024-04-29. Review status: criteria provided, single submitter. Criteria: LabCorp Variant Classification Summary - May 2015. Collection method: clinical testing. Allele origin: germline.
Comment: Variant summary: NPC1 c.1133T>C (p.Val378Ala) results in a non-conservative amino acid change in the encoded protein sequence. Five of five in-silico tools predict a damaging effect of the variant on protein function. The variant allele was found at a frequency of 8e-06 in 251252 control chromosomes. c.1133T>C has been reported in the literature in multiple individuals affected with Niemann-Pick Disease Type C (Millat_2001, Imrie_2015, Greenberg_2015). These data indicate that the variant is very likely to be associated with disease. At least one publication reports experimental evidence evaluating an impact on protein function, one study shows no impact on binding (Diffieu_2011) and another shows it is blocked intracellulary in the Endoplasmic Reticulum (Shammas_2019). The following publications have been ascertained in the context of this evaluation (PMID: 22065762, 26937389, 26666848, 11333381, 30923329). ClinVar contains an entry for this variant (Variation ID: 2970). Based on the evidence outlined above, the variant was classified as pathogenic.

Labcorp Genetics (formerly Invitae), Labcorp
Classification: Pathogenic for Niemann-Pick disease, type C1. Last evaluated: 2024-02-23. Review status: criteria provided, single submitter. Criteria: Invitae Variant Classification Sherloc (09022015). Collection method: clinical testing. Allele origin: germline.
Comment: This sequence change replaces valine, which is neutral and non-polar, with alanine, which is neutral and non-polar, at codon 378 of the NPC1 protein (p.Val378Ala). This variant is present in population databases (rs120074134, gnomAD 0.004%). This missense change has been observed in individual(s) with Niemann-Pick Type C (PMID: 11333381, 26666848, 26937389). ClinVar contains an entry for this variant (Variation ID: 2970). Advanced modeling of protein sequence and biophysical properties (such as structural, functional, and spatial information, amino acid conservation, physicochemical variation, residue mobility, and thermodynamic stability) performed at Invitae indicates that this missense variant is expected to disrupt NPC1 protein function with a positive predictive value of 95%. Experimental studies have shown that this missense change affects NPC1 function (PMID: 22065762, 30923329). For these reasons, this variant has been classified as Pathogenic.

Genetic Services Laboratory, University of Chicago
Classification: Pathogenic. Last evaluated: 2023-04-24. Review status: criteria provided, single submitter. Criteria: ACMG Guidelines, 2015. Collection method: clinical testing. Allele origin: germline. Affected: yes.
Comment: DNA sequence analysis of the NPC1 gene demonstrated a sequence change, c.1133T>C, in exon 8 that results in an amino acid change, p.Val378Ala. The p.Val378Ala change affects a highly conserved amino acid residue located in a domain of the NPC1 protein that is known to be functional. Functional studies of this variant indicate that the variant resulted in an NPC1 protein that was blocked intracellularly in the ER (PMID: 30923329). In-silico pathogenicity prediction tools (SIFT, PolyPhen2, Align GVGD, REVEL) provide contradictory results for the p.Val378Ala substitution. This pathogenic sequence change has previously been described in the compound heterozygous state in multiple individuals with Niemann-Pick disease type C, some of whom had onset in adulthood (PMID: 32138288, 26666848). This sequence change has been described in the gnomAD database in two individuals which corresponds to a frequency of 0.0008% in the overall population (dbSNP rs120074134). The p.Val378Ala amino acid change occurs in a region of the NPC1 gene where other missense sequence changes have been described in individuals with NPC1-related disorders. Collectively, this evidence indicates that this sequence change is pathogenic.

GeneDx
Classification: Likely pathogenic. Last evaluated: 2022-08-11. Review status: criteria provided, single submitter. Criteria: GeneDx Variant Classification Process June 2021. Collection method: clinical testing. Allele origin: germline. Affected: yes.
Comment: Published functional studies demonstrate a damaging effect on glycosylation and cellular localization (Shammas et al., 2019); Not observed at significant frequency in large population cohorts (gnomAD); In silico analysis supports that this missense variant has a deleterious effect on protein structure/function; This variant is associated with the following publications: (PMID: 22065762, 30923329, 31509197, 11333381, 26666848, 32138288, 26937389)

OMIM
Classification: Pathogenic for NIEMANN-PICK DISEASE, TYPE C1. Last evaluated: 2001-06-01. Review status: no assertion criteria provided. Collection method: literature only. Allele origin: germline. Not counted in ClinVar's aggregate classification.

Literature cited by the submitters: PubMed 26666848 (cited by 3 submitters); PubMed 26981555 (cited by Natera, Inc.); PubMed 11333381 (cited by 4 submitters); PubMed 26937389 (cited by 3 submitters); PubMed 30923329 (cited by Women's Health and Genetics/Laboratory Corporation of America, LabCorp and Labcorp Genetics (formerly Invitae), Labcorp); PubMed 22065762 (cited by Women's Health and Genetics/Laboratory Corporation of America, LabCorp and Labcorp Genetics (formerly Invitae), Labcorp).

NM_000271.5(NPC1):c.1133T>C (p.Val378Ala)

Gene: NPC1 (NPC intracellular cholesterol transporter 1; minus strand). Cytogenetic location: 18q11.2.
Variant type: single nucleotide variant.
Coding change: c.1133T>C on transcript NM_000271.5 (MANE Select); coding-DNA position 1133, T replaced by C.
Protein change: p.Val378Ala; replaces valine 378 with alanine.
Molecular consequence: missense variant.
Genome position (GRCh38, 1-based): chr18:23,556,436, A>G on the plus strand (T>C on the coding strand, the complement: NPC1 is on the minus strand). VCF-style: chr18-23556436-A-G. GRCh37 (hg19) VCF-style: chr18-21136400-A-G.
Other names: c.1133T>C (NM_000271.4); short protein forms V378A.
Identifiers: ClinVar variation 2970 (VCV000002970.15), dbSNP rs120074134, ClinGen allele CA252499.